The following is an entry in ClinVar:

NM_199420.4(POLQ):c.3868A>G (p.Arg1290Gly)

Gene: POLQ (DNA polymerase theta; minus strand). Cytogenetic location: 3q13.33.
Variant type: single nucleotide variant.
Coding change: c.3868A>G on transcript NM_199420.4 (MANE Select); coding-DNA position 3868, A replaced by G.
Protein change: p.Arg1290Gly; replaces arginine 1290 with glycine.
Molecular consequence: missense variant.
Genome position (GRCh38, 1-based): chr3:121,489,063, T>C on the plus strand (A>G on the coding strand, the complement: POLQ is on the minus strand). VCF-style: chr3-121489063-T-C. GRCh37 (hg19) VCF-style: chr3-121207910-T-C.
Other names: short protein forms R1290G.
Identifiers: ClinVar variation 2449046 (VCV002449046.2), dbSNP rs2546786809, ClinGen allele CA354096823.
Genomic context (GRCh38, chr3:121,489,063, plus strand): 5'-CAGAAACATGATTATTTTTAGTTTTGTTTGTTGTATAAGTACCTGTTTTTTCTTGTAGTC[T>C]AGAAATATTTAGAAAATTCTCATGCTGGCCTTCTGATTTGCTAAATGCTCCAGCTGATGG-3'
Protein context (NP_955452.3, residues 1280-1300): GQHENFLNIS[Arg1290Gly]LQEKTGTYTT

ClinVar aggregate classification (germline): Uncertain significance (1 of 4 stars; one submission).

Submission:

Ambry Genetics
Classification: Uncertain significance. Last evaluated: 2023-03-03. Review status: criteria provided, single submitter. Criteria: Ambry Variant Classification Scheme 2023. Collection method: clinical testing. Allele origin: germline.
Comment: The p.R1290G variant (also known as c.3868A>G), located in coding exon 16 of the POLQ gene, results from an A to G substitution at nucleotide position 3868. The arginine at codon 1290 is replaced by glycine, an amino acid with dissimilar properties. This amino acid position is conserved. In addition, this alteration is predicted to be tolerated by in silico analysis. Since supporting evidence is limited at this time, the clinical significance of this alteration remains unclear.